The following is an entry in ClinVar:

NM_172107.4(KCNQ2):c.290C>T (p.Ala97Val)

Gene: KCNQ2 (potassium voltage-gated channel subfamily Q member 2; minus strand). Cytogenetic location: 20q13.33.
Variant type: single nucleotide variant.
Coding change: c.290C>T on transcript NM_172107.4 (MANE Select); coding-DNA position 290, C replaced by T.
Protein change: p.Ala97Val; replaces alanine 97 with valine.
Molecular consequence: missense variant.
Genome position (GRCh38, 1-based): chr20:63,472,174, G>A on the plus strand (C>T on the coding strand, the complement: KCNQ2 is on the minus strand). VCF-style: chr20-63472174-G-A. GRCh37 (hg19) VCF-style: chr20-62103527-G-A.
Other names: c.290C>T, p.Ala97Val (NM_004518.6, NM_172106.3, NM_172108.5 and 1 more transcripts); short protein forms A97V.
Identifiers: ClinVar variation 430277 (VCV000430277.44), dbSNP rs1131691879, ClinGen allele CA409634980.

ClinVar aggregate classification (germline): Uncertain significance. Review status: criteria provided, multiple submitters, no conflicts (2 of 4 stars). 4 submissions from 4 submitters: Uncertain significance (4). Last evaluated 2026-08-16.

Conditions:
Early-infantile DEE. Also called: Early infantile epileptic encephalopathy with suppression bursts; Ohtahara syndrome; Early infantile epileptic encephalopathy. Identifiers: Orphanet 1934, MedGen C0393706, MONDO:0800491.

Allele frequency attached by ClinVar (database versions not stated): TOPMed below 0.00001; gnomAD exomes 0.00001; gnomAD 0.00002.
gnomAD v4.1: 15 of 1,526,840 alleles (0.00098%); highest among the groups gnomAD compares: Non-Finnish European, 0.0013%; no homozygotes.

Submissions (4):

GeneDx
Classification: Uncertain significance. Last evaluated: 2026-08-16. Review status: criteria provided, single submitter. Criteria: GeneDx Variant Classification Process June 2021. Collection method: clinical testing. Allele origin: germline.
Comment: Has not been previously published as pathogenic or benign to our knowledge; In silico analysis supports that this missense variant has a deleterious effect on protein structure/function; This substitution is predicted to be within the transmembrane segment S1

Labcorp Genetics (formerly Invitae), Labcorp
Classification: Uncertain significance for Early-infantile DEE. Last evaluated: 2025-12-16. Review status: criteria provided, single submitter. Criteria: Invitae Variant Classification Sherloc (09022015). Collection method: clinical testing. Allele origin: germline.
Comment: This sequence change replaces alanine, which is neutral and non-polar, with valine, which is neutral and non-polar, at codon 97 of the KCNQ2 protein (p.Ala97Val). This variant is present in population databases (no rsID available, gnomAD 0.003%). This variant has not been reported in the literature in individuals affected with KCNQ2-related conditions. ClinVar contains an entry for this variant (Variation ID: 430277). Invitae Evidence Modeling of protein sequence and biophysical properties (such as structural, functional, and spatial information, amino acid conservation, physicochemical variation, residue mobility, and thermodynamic stability) indicates that this missense variant is expected to disrupt KCNQ2 protein function with a positive predictive value of 95%. In summary, the available evidence is currently insufficient to determine the role of this variant in disease. Therefore, it has been classified as a Variant of Uncertain Significance.

Laboratory of Genetics, Children's Clinical University Hospital Latvia
Classification: Uncertain significance. Last evaluated: 2025-02-16. Review status: criteria provided, single submitter. Criteria: ACMG Guidelines, 2015. Collection method: clinical testing. Allele origin: germline. Affected: yes.

CeGaT Center for Human Genetics Tuebingen
Classification: Uncertain significance. Last evaluated: 2020-10-01. Review status: criteria provided, single submitter. Criteria: CeGaT Center For Human Genetics Tuebingen Variant Classification Criteria Version 2. Collection method: clinical testing. Allele origin: germline. Affected: yes. Observed: 1 variant allele.